The following is an entry in ClinVar:

NM_001352027.3(PHF21A):c.1463A>G (p.His488Arg)

Gene: PHF21A (PHD finger protein 21A; minus strand). Cytogenetic location: 11p11.2.
Variant type: single nucleotide variant.
Coding change: c.1463A>G on transcript NM_001352027.3 (MANE Select); coding-DNA position 1463, A replaced by G.
Protein change: p.His488Arg; replaces histidine 488 with arginine.
Molecular consequence: missense variant. On other transcripts: non-coding transcript variant (2).
Genome position (GRCh38, 1-based): chr11:45,938,302, T>C on the plus strand (A>G on the coding strand, the complement: PHF21A is on the minus strand). VCF-style: chr11-45938302-T-C. GRCh37 (hg19) VCF-style: chr11-45959853-T-C.
Other names: c.1460A>G, p.His487Arg (NM_001101802.3); c.1463A>G, p.His488Arg (NM_001352025.3, NM_001352026.3); c.1322A>G, p.His441Arg (NM_001352028.1, NM_001352029.1, NM_016621.5); c.1319A>G, p.His440Arg (NM_001352030.3, NM_001352031.3, NM_001352032.3); short protein forms H440R, H441R, H487R, H488R.
Identifiers: ClinVar variation 3364235 (VCV003364235.1).
Genomic context (GRCh38, chr11:45,938,302, plus strand): 5'-GAACATGTGTCGCACATCAGTAACTGGCCACTTTTTCTGCAAACGCTGCAAAAATCCTCA[T>C]GAATATCACCCTATAAAGTTGAGAGGAAAGGTAAGAAAAAGGACAAAAAAGGTAAAATTT-3'
Protein context (NP_001338956.1, residues 478-498): PSPTSTDGDI[His488Arg]EDFCSVCRKS

ClinVar aggregate classification (germline): Uncertain significance (1 of 4 stars; one submission).

Submission:

GeneDx
Classification: Uncertain significance. Last evaluated: 2023-11-11. Review status: criteria provided, single submitter. Criteria: GeneDx Variant Classification Process June 2021. Collection method: clinical testing. Allele origin: germline. Affected: yes.
Comment: Not observed at significant frequency in large population cohorts (gnomAD); In silico analysis supports that this missense variant has a deleterious effect on protein structure/function; Has not been previously published as pathogenic or benign to our knowledge